The following is an entry in ClinVar:

ClinVar aggregate classification (germline): Likely pathogenic (1 of 4 stars; one submission).

Conditions:
Melnick-Fraser syndrome (BOR). Also called: Branchiootorenal syndrome; Branchio-oto-renal syndrome; Branchiootorenal Syndrome (BORS). Identifiers: Orphanet 107, MedGen C0265234, MONDO:0007029.

Submission:

Labcorp Genetics (formerly Invitae), Labcorp
Classification: Likely pathogenic for Melnick-Fraser syndrome. Last evaluated: 2022-10-13. Review status: criteria provided, single submitter. Criteria: Invitae Variant Classification Sherloc (09022015). Collection method: clinical testing. Allele origin: germline.
Comment: This variant is not present in population databases (gnomAD no frequency). In summary, the currently available evidence indicates that the variant is pathogenic, but additional data are needed to prove that conclusively. Therefore, this variant has been classified as Likely Pathogenic. Advanced modeling of protein sequence and biophysical properties (such as structural, functional, and spatial information, amino acid conservation, physicochemical variation, residue mobility, and thermodynamic stability) has been performed at Invitae for this missense variant, however the output from this modeling did not meet the statistical confidence thresholds required to predict the impact of this variant on EYA1 protein function. This missense change has been observed in individual(s) with clinical features of Branchiootorenal syndrome (Invitae). In at least one individual the variant was observed to be de novo. This sequence change replaces leucine, which is neutral and non-polar, with proline, which is neutral and non-polar, at codon 483 of the EYA1 protein (p.Leu483Pro).

NM_000503.6(EYA1):c.1448T>C (p.Leu483Pro)

Gene: EYA1 (EYA transcriptional coactivator and phosphatase 1; minus strand). Cytogenetic location: 8q13.3.
Variant type: single nucleotide variant.
Coding change: c.1448T>C on transcript NM_000503.6 (MANE Select); coding-DNA position 1448, T replaced by C.
Protein change: p.Leu483Pro; replaces leucine 483 with proline.
Molecular consequence: missense variant.
Genome position (GRCh38, 1-based): chr8:71,215,641, A>G on the plus strand (T>C on the coding strand, the complement: EYA1 is on the minus strand). VCF-style: chr8-71215641-A-G. GRCh37 (hg19) VCF-style: chr8-72127876-A-G.
Other names: c.1430T>C, p.Leu477Pro (NM_001288574.2, NM_172059.5); c.1082T>C, p.Leu361Pro (NM_001288575.2); c.1535T>C, p.Leu512Pro (NM_001370333.1); c.1448T>C, p.Leu483Pro (NM_001370334.1, NM_001370335.1, NM_172058.4); c.1427T>C, p.Leu476Pro (NM_001370336.1); c.1349T>C, p.Leu450Pro (NM_001411797.1, NM_172060.4); short protein forms L361P, L476P, L512P, L483P, L450P, L477P.
Identifiers: ClinVar variation 2033782 (VCV002033782.4), dbSNP rs2537280352, ClinGen allele CA371466371.
Genomic context (GRCh38, chr8:71,215,641, plus strand): 5'-ATTTCCTGGCAAAGACCCCGCAGAGAGCCTCACCGGGAGTGAATGAGCGAGAGTGCTTTC[A>G]GGGCCAGTGTCAACCAGGAGTCGGTCAGGGCTTCAATTTCGGCCCTCAACTGCAGCCAGG-3'
Protein context (NP_000494.2, residues 473-493): ALTDSWLTLA[Leu483Pro]KALSLIHSRT